The following is an entry in ClinVar:

ClinVar aggregate classification (germline): Benign (1 of 4 stars; one submission).

Submission:

Women's Health and Genetics/Laboratory Corporation of America, LabCorp
Classification: Benign. Last evaluated: 2026-03-16. Review status: criteria provided, single submitter. Criteria: LabCorp Variant Classification Summary - May 2015. Collection method: clinical testing. Allele origin: germline.
Comment: Variant summary: The variant involves a large deletion (size: ~5 kbp) within intron 16 in the GRIK2 gene. A presumed nomenclature of c.2562+3545_2563-4222del has been designated for the purposes of this classification (of note, the breakpoints are approximate). The variant is located at a position not widely known to affect splicing. A similar large deletion variant (size: ~7.5 kbp) was found at a frequency of 0.0092 in 123038 control chromosomes, predominantly at a frequency of 0.014 within the Non-Finnish European subpopulation in the gnomAD database, including 7 homozygotes. The observed variant frequency within Non-Finnish European control individuals in the gnomAD database exceeds the estimated maximal expected allele frequency for disease-causing variants in GRIK2. To our knowledge, no occurrence of c.2562+3545_2563-4222del in individuals affected with GRIK2-related conditions and no experimental evidence demonstrating its impact on protein function have been reported. No submitters have cited clinical-significance assessments for this variant to ClinVar. Based on the evidence outlined above, the variant was classified as benign.

NM_021956.5(GRIK2):c.2562+3546_2563-4221del

Gene: GRIK2 (glutamate ionotropic receptor kainate type subunit 2; plus strand). Cytogenetic location: 6q16.3.
Variant type: Deletion.
Coding change: c.2562+3546_2563-4221del on transcript NM_021956.5 (MANE Select); 3546 bases into the intron after coding-DNA position 2562 through 4221 bases into the intron before coding-DNA position 2563, 5,001 bases deleted.
Molecular consequence: intron variant. On other transcripts: splice acceptor variant (1), splice donor variant (1).
Genome position (GRCh38, 1-based): chr6:102,059,126-102,064,126, 5,001 bases deleted. GRCh37 (hg19): chr6:102,507,001-102,512,001.
Other names: c.2562+3546_*39+78del (NM_175768.3); c.2562+3546_2563-1671del (NM_001166247.1); c.2562+3545_2563-4222del (NM_021956.5).
Identifiers: ClinVar variation 4847196 (VCV004847196.1).